The following is an entry in ClinVar:

NM_032607.3(CREB3L3):c.962G>A (p.Gly321Asp)

Gene: CREB3L3 (cAMP responsive element binding protein 3 like 3; plus strand). Cytogenetic location: 19p13.3.
Variant type: single nucleotide variant.
Coding change: c.962G>A on transcript NM_032607.3 (MANE Select); coding-DNA position 962, G replaced by A.
Protein change: p.Gly321Asp; replaces glycine 321 with aspartic acid.
Molecular consequence: missense variant. On other transcripts: synonymous variant (1).
Genome position (GRCh38, 1-based): chr19:4,171,162, G>A. VCF-style: chr19-4171162-G-A. GRCh37 (hg19) VCF-style: chr19-4171159-G-A.
Other names: c.962G>A (NM_032607.1); c.959G>A, p.Gly320Asp (NM_001271995.2); c.956G>A, p.Gly319Asp (NM_001271996.2); c.855G>A, p.Arg285= (NM_001271997.2); short protein forms G320D, G319D, G321D.
Identifiers: ClinVar variation 2904452 (VCV002904452.5), dbSNP rs758438696, ClinGen allele CA9091549.

ClinVar aggregate classification (germline): Uncertain significance. Review status: criteria provided, multiple submitters, no conflicts (2 of 4 stars). 2 submissions from 2 submitters: Uncertain significance (2). Last evaluated 2025-08-06.

Allele frequency attached by ClinVar (database versions not stated): ExAC 0.00007; TOPMed 0.00001; gnomAD 0.00003.
gnomAD v4.1: 32 of 1,613,956 alleles (0.002%); highest among the groups gnomAD compares: South Asian, 0.027%; 1 homozygote.

Submissions (2):

Ambry Genetics
Classification: Uncertain significance. Last evaluated: 2025-08-06. Review status: criteria provided, single submitter. Criteria: Ambry Variant Classification Scheme 2023. Collection method: clinical testing. Allele origin: germline.

Labcorp Genetics (formerly Invitae), Labcorp
Classification: Uncertain significance. Last evaluated: 2025-07-06. Review status: criteria provided, single submitter. Criteria: Invitae Variant Classification Sherloc (09022015). Collection method: clinical testing. Allele origin: germline.
Comment: This sequence change replaces glycine, which is neutral and non-polar, with aspartic acid, which is acidic and polar, at codon 321 of the CREB3L3 protein (p.Gly321Asp). The frequency data for this variant in the population databases is considered unreliable, as metrics indicate poor data quality at this position in the gnomAD database. This variant has not been reported in the literature in individuals affected with CREB3L3-related conditions. ClinVar contains an entry for this variant (Variation ID: 2904452). Invitae Evidence Modeling of protein sequence and biophysical properties (such as structural, functional, and spatial information, amino acid conservation, physicochemical variation, residue mobility, and thermodynamic stability) indicates that this missense variant is expected to disrupt CREB3L3 protein function with a positive predictive value of 80%. In summary, the available evidence is currently insufficient to determine the role of this variant in disease. Therefore, it has been classified as a Variant of Uncertain Significance.